The following is an entry in ClinVar:

NM_014283.5(SUCO):c.547A>G (p.Ile183Val)

Gene: SUCO (SUN domain containing ossification factor; plus strand). Cytogenetic location: 1q24.3.
Variant type: single nucleotide variant.
Coding change: c.547A>G on transcript NM_014283.5 (MANE Select); coding-DNA position 547, A replaced by G.
Protein change: p.Ile183Val; replaces isoleucine 183 with valine.
Molecular consequence: missense variant. On other transcripts: 5 prime UTR variant (1).
Genome position (GRCh38, 1-based): chr1:172,557,383, A>G. VCF-style: chr1-172557383-A-G. GRCh37 (hg19) VCF-style: chr1-172526523-A-G.
Other names: c.436A>G, p.Ile146Val (NM_001282750.2); c.-983A>G (NM_001282751.2); c.1021A>G, p.Ile341Val (NM_016227.4); short protein forms I146V, I183V, I341V.
Identifiers: ClinVar variation 4806738 (VCV004806738.1).
Genomic context (GRCh38, chr1:172,557,383, plus strand): 5'-GAAACTGAGCAGTCTGAAACTGATTGTGATGTTGGTGAGGCCCTTGATGCTAGTGCTCCA[A>G]TTGAACAACCTTCCTTTGTCAGTCCACCTGACAGGTGGGTAGGAGCAGTTGTTTGTCCTT-3'
Protein context (NP_055098.1, residues 173-193): VGEALDASAP[Ile183Val]EQPSFVSPPD

ClinVar aggregate classification (germline): Uncertain significance (1 of 4 stars; one submission).

gnomAD v4.1: 1 of 1,614,008 alleles (0.000062%); no homozygotes.

Submission:

Labcorp Genetics (formerly Invitae), Labcorp
Classification: Uncertain significance. Last evaluated: 2025-05-30. Review status: criteria provided, single submitter. Criteria: Invitae Variant Classification Sherloc (09022015). Collection method: clinical testing. Allele origin: germline.
Comment: This sequence change replaces isoleucine, which is neutral and non-polar, with valine, which is neutral and non-polar, at codon 183 of the SUCO protein (p.Ile183Val). This variant is not present in population databases (gnomAD no frequency). This variant has not been reported in the literature in individuals affected with SUCO-related conditions. An algorithm developed to predict the effect of missense changes on protein structure and function outputs the following: PolyPhen-2: "Benign". The valine amino acid residue is found in multiple mammalian species, which suggests that this missense change does not adversely affect protein function. In summary, the available evidence is currently insufficient to determine the role of this variant in disease. Therefore, it has been classified as a Variant of Uncertain Significance.